The following is an entry in ClinVar:

NM_198271.5(LMOD3):c.1529A>C (p.Asn510Thr)

Gene: LMOD3 (leiomodin 3; minus strand). Cytogenetic location: 3p14.1.
Variant type: single nucleotide variant.
Coding change: c.1529A>C on transcript NM_198271.5 (MANE Select); coding-DNA position 1529, A replaced by C.
Protein change: p.Asn510Thr; replaces asparagine 510 with threonine.
Molecular consequence: missense variant.
Genome position (GRCh38, 1-based): chr3:69,118,826, T>G on the plus strand (A>C on the coding strand, the complement: LMOD3 is on the minus strand). VCF-style: chr3-69118826-T-G. GRCh37 (hg19) VCF-style: chr3-69167977-T-G.
Other names: c.1529A>C, p.Asn510Thr (NM_001304418.3); short protein forms N510T.
Identifiers: ClinVar variation 475309 (VCV000475309.3), dbSNP rs538402410, ClinGen allele CA2488747.

ClinVar aggregate classification (germline): Uncertain significance (1 of 4 stars; one submission).

Conditions:
Nemaline myopathy 10 (NEM10). Identifiers: MedGen C4015360, MONDO:0014513, OMIM 616165.

Allele frequency attached by ClinVar (database versions not stated): TOPMed 0.00002; 1000 Genomes Project 30x 0.00016; 1000 Genomes Project 0.00020.
gnomAD v4.1: 85 of 1,610,186 alleles (0.0053%); highest among the groups gnomAD compares: South Asian, 0.084%; 1 homozygote.

Submission:

Labcorp Genetics (formerly Invitae), Labcorp
Classification: Uncertain significance for Nemaline myopathy 10. Last evaluated: 2021-09-03. Review status: criteria provided, single submitter. Criteria: Invitae Variant Classification Sherloc (09022015). Collection method: clinical testing. Allele origin: germline.
Comment: In summary, the available evidence is currently insufficient to determine the role of this variant in disease. Therefore, it has been classified as a Variant of Uncertain Significance. Algorithms developed to predict the effect of missense changes on protein structure and function (SIFT, PolyPhen-2, Align-GVGD) all suggest that this variant is likely to be disruptive. This variant has not been reported in the literature in individuals affected with LMOD3-related conditions. This variant is present in population databases (rs538402410, ExAC 0.1%). This sequence change replaces asparagine with threonine at codon 510 of the LMOD3 protein (p.Asn510Thr). The asparagine residue is highly conserved and there is a small physicochemical difference between asparagine and threonine.